The following is an entry in ClinVar:

ClinVar aggregate classification (germline): Uncertain significance (1 of 4 stars; one submission).

Conditions:
Cholestasis, progressive familial intrahepatic, 7, with or without hearing loss. Identifiers: MedGen C5562043, MONDO:0030503, OMIM 619658.

gnomAD v4.1: 1 of 1,612,626 alleles (0.000062%); highest among the groups gnomAD compares: South Asian, 0.0011%; no homozygotes.

Submission:

Neuberg Centre For Genomic Medicine, NCGM
Classification: Uncertain significance for Cholestasis, progressive familial intrahepatic, 7, with or without hearing loss. Last evaluated: 2023-05-20. Review status: criteria provided, single submitter. Criteria: ACMG Guidelines, 2015. Collection method: clinical testing. Allele origin: germline. Inheritance: Autosomal recessive inheritance. Affected: yes.
Comment: The observed missense c.1962T>A(p.Ser654Arg) varian tin USP53 gene has not been reported previously as a pathogenic variant nor a benign variant, to our knowledge. The p.Ser654Arg variant is absent in gnomAD Exomes. This variant has not been submitted to the ClinVar database. Multiple lines of computational evidences (Polyphen - Probably damaging, SIFT - Tolerated and MutationTaster - Disease causing) predict conflicting evidence on protein structure and function for this variant. The reference amino acid is predicted as conserved by GERP++ and PhyloP across 100 vertebrates. The amino acid Ser at position 654 is changed to a Arg changing protein sequence and it might alter its composition and physico-chemical properties. For these reasons, this variant has been classified as a Variant of Uncertain Significance (VUS). In absence of another reportable variant in USP53 gene, the molecular diagnosis is not confirmed.

NM_001371395.1(USP53):c.1962T>A (p.Ser654Arg)

Gene: USP53 (ubiquitin specific peptidase 53; plus strand). Cytogenetic location: 4q26.
Variant type: single nucleotide variant.
Coding change: c.1962T>A on transcript NM_001371395.1 (MANE Select); coding-DNA position 1962, T replaced by A.
Protein change: p.Ser654Arg; replaces serine 654 with arginine.
Molecular consequence: missense variant.
Genome position (GRCh38, 1-based): chr4:119,271,822, T>A. VCF-style: chr4-119271822-T-A. GRCh37 (hg19) VCF-style: chr4-120192977-T-A.
Other names: c.1809T>A, p.Ser603Arg (NM_001371396.1, NM_001389661.1); c.1962T>A, p.Ser654Arg (NM_001371397.1, NM_001371398.1, NM_001371399.1 and 3 more transcripts); c.1812T>A, p.Ser604Arg (NM_001389660.1); c.1614T>A, p.Ser538Arg (NM_001389662.1, NM_001389663.1, NM_001389664.1 and 1 more transcripts); c.1461T>A, p.Ser487Arg (NM_001389665.1, NM_001389667.1); short protein forms S487R, S538R, S603R, S604R, S654R.
Identifiers: ClinVar variation 3367150 (VCV003367150.1).